The following is an entry in ClinVar:

NM_005902.4(SMAD3):c.872-7T>G

Gene: SMAD3 (SMAD family member 3; plus strand). Cytogenetic location: 15q22.33.
Variant type: single nucleotide variant.
Coding change: c.872-7T>G on transcript NM_005902.4 (MANE Select); 7 bases into the intron before coding-DNA position 872, T replaced by G.
Molecular consequence: intron variant.
Genome position (GRCh38, 1-based): chr15:67,184,720, T>G. VCF-style: chr15-67184720-T-G. GRCh37 (hg19) VCF-style: chr15-67477058-T-G.
Other names: c.872-7T>G (NM_001407011.1); c.872-2645T>G (NM_001407013.1); c.740-7T>G (NM_001407012.1, NM_001145103.2); c.725-7T>G (NM_001407014.1); c.557-7T>G (NM_001145102.2, NM_001407016.1); c.425-7T>G (NM_001407015.1); c.287-7T>G (NM_001145104.2, NM_001407017.1).
Identifiers: ClinVar variation 3723335 (VCV003723335.2).

ClinVar aggregate classification (germline): Uncertain significance (1 of 4 stars; one submission).

Conditions:
Familial thoracic aortic aneurysm and aortic dissection (TAAD). Also called: Thoracic aortic aneurysms and dissections. Identifiers: Orphanet 91387, MedGen C4707243, MONDO:0019625.

Submission:

Labcorp Genetics (formerly Invitae), Labcorp
Classification: Uncertain significance for Familial thoracic aortic aneurysm and aortic dissection. Last evaluated: 2024-10-20. Review status: criteria provided, single submitter. Criteria: Invitae Variant Classification Sherloc (09022015). Collection method: clinical testing. Allele origin: germline.
Comment: This sequence change falls in intron 6 of the SMAD3 gene. It does not directly change the encoded amino acid sequence of the SMAD3 protein. This variant is not present in population databases (gnomAD no frequency). This variant has not been reported in the literature in individuals affected with SMAD3-related conditions. Algorithms developed to predict the effect of sequence changes on RNA splicing suggest that this variant may disrupt the consensus splice site. In summary, the available evidence is currently insufficient to determine the role of this variant in disease. Therefore, it has been classified as a Variant of Uncertain Significance.